The following is an entry in ClinVar:

NM_001375524.1(TRRAP):c.6213C>G (p.Ala2071=)

Gene: TRRAP (transformation/transcription domain associated protein; plus strand). Cytogenetic location: 7q22.1.
Variant type: single nucleotide variant.
Coding change: c.6213C>G on transcript NM_001375524.1 (MANE Select); coding-DNA position 6213, C replaced by G.
Protein change: p.Ala2071=; no amino-acid change (alanine 2071 retained).
Molecular consequence: synonymous variant.
Genome position (GRCh38, 1-based): chr7:98,956,515, C>G. VCF-style: chr7-98956515-C-G. GRCh37 (hg19) VCF-style: chr7-98554138-C-G.
Other names: c.6192C>G, p.Ala2064= (NM_001244580.2); c.6138C>G, p.Ala2046= (NM_003496.4); c.6138C>G (NM_003496.3).
Identifiers: ClinVar variation 1672270 (VCV001672270.35), dbSNP rs140869162, ClinGen allele CA4360774.

ClinVar aggregate classification (germline): Benign/Likely benign. Review status: criteria provided, multiple submitters, no conflicts (2 of 4 stars). 5 submissions from 5 submitters: Benign (2); Likely benign (2). 1 of the submissions does not count toward it. Last evaluated 2026-08-01.

Conditions:
TRRAP-related disorder. Also called: TRRAP-related condition.

Allele frequency attached by ClinVar (database versions not stated): 1000 Genomes Project 0.00120; 1000 Genomes Project 30x 0.00141; TOPMed 0.00239; gnomAD 0.00267 and 0.00299; ESP Exome Variant Server 0.00308.
gnomAD v4.1: 5,811 of 1,614,070 alleles (0.36%); highest among the groups gnomAD compares: Non-Finnish European, 0.42%; 21 homozygotes.

Submissions (5):

CeGaT Center for Human Genetics Tuebingen
Classification: Likely benign. Last evaluated: 2026-08-01. Review status: criteria provided, single submitter. Criteria: CeGaT Center For Human Genetics Tuebingen Variant Classification Criteria Version 2. Collection method: clinical testing. Allele origin: germline. Affected: yes. Observed: 12 variant alleles.
Comment: TRRAP: BP4, BP7, BS2

Labcorp Genetics (formerly Invitae), Labcorp
Classification: Benign. Last evaluated: 2026-01-05. Review status: criteria provided, single submitter. Criteria: Invitae Variant Classification Sherloc (09022015). Collection method: clinical testing. Allele origin: germline.

Blueprint Genetics
Classification: Likely benign. Last evaluated: 2024-11-27. Review status: criteria provided, single submitter. Criteria: ACMG Guidelines, 2015. Collection method: clinical testing. Allele origin: germline.

Breakthrough Genomics
Classification: Benign. Review status: criteria provided, single submitter. Criteria: ACMG Guidelines, 2015. Collection method: not provided. Allele origin: germline. Inheritance: Autosomal dominant inheritance. Affected: yes.

PreventionGenetics, part of Exact Sciences
Classification: Likely benign for TRRAP-related condition. Last evaluated: 2024-01-05. Review status: no assertion criteria provided. Collection method: clinical testing. Allele origin: germline. Not counted in ClinVar's aggregate classification.
Comment: This variant is classified as likely benign based on ACMG/AMP sequence variant interpretation guidelines (Richards et al. 2015 PMID: 25741868, with internal and published modifications).